The following is an entry in ClinVar:

NM_001267550.2(TTN):c.31472T>C (p.Met10491Thr)

Gene: TTN (titin; minus strand). Cytogenetic location: 2q31.2.
Variant type: single nucleotide variant.
Coding change: c.31472T>C on transcript NM_001267550.2 (MANE Select); coding-DNA position 31472, T replaced by C.
Protein change: p.Met10491Thr; replaces methionine 10491 with threonine.
Molecular consequence: missense variant. On other transcripts: intron variant (3).
Genome position (GRCh38, 1-based): chr2:178,693,963, A>G on the plus strand (T>C on the coding strand, the complement: TTN is on the minus strand). VCF-style: chr2-178693963-A-G. GRCh37 (hg19) VCF-style: chr2-179558690-A-G.
Other names: p.M10174T:ATG>ACG; c.13282+44119T>C (NM_003319.4); c.13858+44119T>C (NM_133437.4); c.13657+44119T>C (NM_133432.3); c.30521T>C, p.Met10174Thr (NM_001256850.1); c.27740T>C, p.Met9247Thr (NM_133378.4); short protein forms M10174T, M10491T, M9247T.
Identifiers: ClinVar variation 202563 (VCV000202563.11), dbSNP rs769226745, ClinGen allele CA309599.

ClinVar aggregate classification (germline): Conflicting classifications of pathogenicity. Review status: criteria provided, conflicting classifications (1 of 4 stars). 6 submissions from 6 submitters: Uncertain significance (4); Likely benign (2). Last evaluated 2025-11-04.

Conditions:
TTN-related disorder. Also called: TTN-related condition; TTN-related disease; TTN-related disorders.
Dilated cardiomyopathy 1G (CMD1G). Identifiers: Orphanet 154, MedGen C1858763, MONDO:0011400, OMIM 604145.
Autosomal recessive limb-girdle muscular dystrophy type 2J (LGMDR10). Also called: Limb-girdle muscular dystrophy, type 2J; MUSCULAR DYSTROPHY, LIMB-GIRDLE, AUTOSOMAL RECESSIVE 10. Identifiers: Orphanet 140922, MedGen C1837342, MONDO:0012127, OMIM 608807.
Primary dilated cardiomyopathy (DCM). Also called: Dilated Cardiomyopathy. Identifiers: Orphanet 217604, MedGen C0007193, MeSH D002311, MONDO:0005021, HP:0001644. Inheritance: Various modes of inheritance.

Allele frequency attached by ClinVar (database versions not stated): gnomAD exomes 0.00002 and 0.00003; gnomAD 0.00003 and 0.00004; ExAC 0.00005; TOPMed 0.00007.

Submissions (6):

PreventionGenetics, part of Exact Sciences
Classification: Uncertain significance for TTN-related condition. Last evaluated: 2025-11-04. Review status: criteria provided, single submitter. Criteria: ACMG Guidelines, 2015. Collection method: clinical testing. Allele origin: germline.
Comment: The TTN c.31472T>C variant is predicted to result in the amino acid substitution p.Met10491Thr. To our knowledge, this variant has not been reported in the literature. This variant is reported in 0.0097% of alleles in individuals of Ashkenazi Jewish descent in gnomAD. At this time, the clinical significance of this variant is uncertain due to the absence of conclusive functional and genetic evidence.

Molecular Diagnostic Laboratory for Inherited Cardiovascular Disease, Montreal Heart Institute
Classification: Likely benign. Last evaluated: 2025-04-09. Review status: criteria provided, single submitter. Criteria: ACMG Guidelines, 2015. Collection method: clinical testing. Allele origin: germline. Affected: no.

Center for Advanced Laboratory Medicine, UC San Diego Health, University of California San Diego
Classification: Likely benign for Dilated cardiomyopathy. Last evaluated: 2017-08-21. Review status: criteria provided, single submitter. Criteria: ACMG Guidelines, 2015. Collection method: clinical testing. Allele origin: germline. Affected: yes. Observed: 1 variant allele.

Labcorp Genetics (formerly Invitae), Labcorp
Classification: Uncertain significance for Dilated cardiomyopathy 1G; Autosomal recessive limb-girdle muscular dystrophy type 2J. Last evaluated: 2016-10-03. Review status: criteria provided, single submitter. Criteria: Invitae Variant Classification Sherloc (09022015). Collection method: clinical testing. Allele origin: germline.

Laboratory for Molecular Medicine, Mass General Brigham Personalized Medicine
Classification: Uncertain significance. Last evaluated: 2014-12-31. Review status: criteria provided, single submitter. Criteria: LMM Criteria. Collection method: clinical testing. Allele origin: germline. Observed: 1 variant allele.
Comment: The p.Met9247Thr variant in TTN has not been previously reported in individuals with cardiomyopathy, but has been identified in 4/61848 of European chromosomes by the Exome Aggregation Consortium (ExAC). Comp utational prediction tools and conservation analysis do not provide strong suppo rt for or against an impact to the protein. In summary, the clinical significanc e of the p.Met9247Thr variant is uncertain.

GeneDx
Classification: Uncertain significance. Last evaluated: 2014-05-06. Review status: criteria provided, single submitter. Criteria: GeneDx Variant Classification (06012015). Collection method: clinical testing. Allele origin: germline. Affected: yes.
Comment: Missense variants in the TTN gene are considered 'unclassified' if they are not previously reported in the literature and do not have >1% frequency in the population to be considered a polymorphism. Research indicates that truncating mutations in the TTN gene are expected to account for approximately 25% of familial and 18% of sporadic idiopathic DCM; however, truncating variants in the TTN gene have been reported in approximately 3% of reported control alleles. There has been little investigation into non-truncating variants. (Herman D et al. Truncations of titin causing dilated cardiomyopathy. N Eng J Med 366:619-628, 2012) The variant is found in DCM-CRDM panel(s).